The following is an entry in ClinVar:

ClinVar aggregate classification (germline): Uncertain significance. Review status: criteria provided, multiple submitters, no conflicts (2 of 4 stars). 2 submissions from 2 submitters: Uncertain significance (2). Last evaluated 2025-06-02.

Conditions:
Insulin-dependent diabetes mellitus secretory diarrhea syndrome (IPEX). Also called: Immune dysregulation-polyendocrinopathy-enteropathy-X-linked syndrome; Immunodeficiency, Polyendocrinopathy, and Enteropathy X-Linked Syndrome; X-Linked Syndrome of Polyendocrinopathy, Immune Dysfunction, and Diarrhea; IMMUNODEFICIENCY, POLYENDOCRINOPATHY, AND ENTEROPATHY, X-LINKED; Immunodysregulation, polyendocrinopathy, and enteropathy, X-linked; IPEX and IPEX-Like. Identifiers: Orphanet 37042, MedGen C0342288, MONDO:0010580, OMIM 304790. Disease mechanism: loss of function.

Submissions (2):

Labcorp Genetics (formerly Invitae), Labcorp
Classification: Uncertain significance for Insulin-dependent diabetes mellitus secretory diarrhea syndrome. Last evaluated: 2025-06-02. Review status: criteria provided, single submitter. Criteria: Invitae Variant Classification Sherloc (09022015). Collection method: clinical testing. Allele origin: germline.
Comment: This sequence change replaces glycine, which is neutral and non-polar, with glutamic acid, which is acidic and polar, at codon 139 of the FOXP3 protein (p.Gly139Glu). This variant is not present in population databases (gnomAD no frequency). This variant has not been reported in the literature in individuals affected with FOXP3-related conditions. ClinVar contains an entry for this variant (Variation ID: 3598354). Invitae Evidence Modeling of protein sequence and biophysical properties (such as structural, functional, and spatial information, amino acid conservation, physicochemical variation, residue mobility, and thermodynamic stability) indicates that this missense variant is not expected to disrupt FOXP3 protein function with a negative predictive value of 80%. In summary, the available evidence is currently insufficient to determine the role of this variant in disease. Therefore, it has been classified as a Variant of Uncertain Significance.

Fulgent Genetics
Classification: Uncertain significance for Insulin-dependent diabetes mellitus secretory diarrhea syndrome. Last evaluated: 2024-02-13. Review status: criteria provided, single submitter. Criteria: ACMG Guidelines, 2015. Collection method: clinical testing. Allele origin: germline.

NM_014009.4(FOXP3):c.416G>A (p.Gly139Glu)

Gene: FOXP3 (forkhead box P3; minus strand). Cytogenetic location: Xp11.23.
Variant type: single nucleotide variant.
Coding change: c.416G>A on transcript NM_014009.4 (MANE Select); coding-DNA position 416, G replaced by A.
Protein change: p.Gly139Glu; replaces glycine 139 with glutamic acid.
Molecular consequence: missense variant.
Genome position (GRCh38, 1-based): chrX:49,257,465, C>T on the plus strand (G>A on the coding strand, the complement: FOXP3 is on the minus strand). VCF-style: chrX-49257465-C-T. GRCh37 (hg19) VCF-style: chrX-49113922-C-T.
Other names: c.311G>A, p.Gly104Glu (NM_001114377.2); short protein forms G139E, G104E.
Identifiers: ClinVar variation 3598354 (VCV003598354.3).